The following is an entry in ClinVar:

ClinVar aggregate classification (germline): Pathogenic (1 of 4 stars; one submission).

Submission:

Dasa
Classification: Pathogenic. Last evaluated: 2025-10-11. Review status: criteria provided, single submitter. Criteria: DASA Assertion Criteria. Collection method: clinical testing. Allele origin: germline.
Comment: NM_001171613.2(PREPL):c.872C>G (p.Ser291*) introduces a premature termination codon predicted to result in loss of normal protein function. Loss-of-function is an established mechanism of disease for this gene. This variant has been observed in affected individuals with related phenotype in a genotype context consistent with recessive disease. The variant is present at low frequency in population datasets. Based on the available data, this variant is classified as pathogenic.

NM_001171613.2(PREPL):c.872C>G (p.Ser291Ter)

Gene: PREPL (prolyl endopeptidase like; minus strand). Cytogenetic location: 2p21.
Variant type: single nucleotide variant.
Coding change: c.872C>G on transcript NM_001171613.2 (MANE Select); coding-DNA position 872, C replaced by G.
Protein change: p.Ser291Ter; replaces serine 291 with a stop codon.
Molecular consequence: nonsense. On other transcripts: intron variant (1).
Genome position (GRCh38, 1-based): chr2:44,338,367, G>C on the plus strand (C>G on the coding strand, the complement: PREPL is on the minus strand). VCF-style: chr2-44338367-G-C. GRCh37 (hg19) VCF-style: chr2-44565506-G-C.
Other names: c.1139C>G, p.Ser380Ter (NM_001042386.2, NM_001171603.1, NM_001171606.2 and 3 more transcripts); c.872C>G, p.Ser291Ter (NM_001171617.1, NM_001374277.1); c.969+780C>G (NM_001042385.2); short protein forms S291*, S380*.
Identifiers: ClinVar variation 4851972 (VCV004851972.1).